The following is an entry in ClinVar:

ClinVar aggregate classification (germline): Uncertain significance (1 of 4 stars; one submission).

Conditions:
Familial adenomatous polyposis 2. Also called: MYH-associated polyposis; Adenomas, multiple colorectal; COLORECTAL ADENOMATOUS POLYPOSIS, AUTOSOMAL RECESSIVE; ADENOMAS, MULTIPLE COLORECTAL, AUTOSOMAL RECESSIVE; FAP type 2; MUTYH Polyposis. Identifiers: Orphanet 220460, Orphanet 247798, MedGen C3272841, MONDO:0012041, OMIM 608456.

Submission:

Labcorp Genetics (formerly Invitae), Labcorp
Classification: Uncertain significance for Familial adenomatous polyposis 2. Last evaluated: 2024-10-03. Review status: criteria provided, single submitter. Criteria: Invitae Variant Classification Sherloc (09022015). Collection method: clinical testing. Allele origin: germline.
Comment: This sequence change replaces alanine, which is neutral and non-polar, with valine, which is neutral and non-polar, at codon 165 of the MUTYH protein (p.Ala165Val). This variant is not present in population databases (gnomAD no frequency). This variant has not been reported in the literature in individuals affected with MUTYH-related conditions. ClinVar contains an entry for this variant (Variation ID: 1492882). An algorithm developed to predict the effect of missense changes on protein structure and function (PolyPhen-2) suggests that this variant is likely to be disruptive. In summary, the available evidence is currently insufficient to determine the role of this variant in disease. Therefore, it has been classified as a Variant of Uncertain Significance.

NM_001048174.2(MUTYH):c.410C>T (p.Ala137Val)

Gene: MUTYH (mutY DNA glycosylase; minus strand). Cytogenetic location: 1p34.1.
Variant type: single nucleotide variant.
Coding change: c.410C>T on transcript NM_001048174.2 (MANE Select); coding-DNA position 410, C replaced by T.
Protein change: p.Ala137Val; replaces alanine 137 with valine.
Molecular consequence: missense variant. On other transcripts: non-coding transcript variant (2).
Genome position (GRCh38, 1-based): chr1:45,332,928, G>A on the plus strand (C>T on the coding strand, the complement: MUTYH is on the minus strand). VCF-style: chr1-45332928-G-A. GRCh37 (hg19) VCF-style: chr1-45798600-G-A.
Other names: c.410C>T, p.Ala137Val (NM_001048171.2, NM_001048173.2, NM_001293195.2); c.413C>T, p.Ala138Val (NM_001048172.2); c.494C>T, p.Ala165Val (NM_001128425.2); c.455C>T, p.Ala152Val (NM_001293190.2); c.443C>T, p.Ala148Val (NM_001293191.2); c.134C>T, p.Ala45Val (NM_001293192.2, NM_001293196.2); c.65C>T, p.Ala22Val (NM_001350650.2, NM_001350651.2); c.485C>T, p.Ala162Val (NM_012222.3); short protein forms A152V, A162V, A45V, A138V, A165V, A137V, A148V, A22V.
Identifiers: ClinVar variation 1492882 (VCV001492882.6), dbSNP rs2149160813, ClinGen allele CA340135925.